The following is an entry in ClinVar:

ClinVar aggregate classification (germline): Uncertain significance (1 of 4 stars; one submission).

Allele frequency attached by ClinVar (database versions not stated): gnomAD exomes 0.00001; TOPMed 0.00003; ExAC 0.00004; gnomAD 0.00006.
gnomAD v4.1: 26 of 1,613,110 alleles (0.0016%); highest among the groups gnomAD compares: African/African-American, 0.0093%; no homozygotes.

Submission:

GeneDx
Classification: Uncertain significance. Last evaluated: 2023-03-03. Review status: criteria provided, single submitter. Criteria: GeneDx Variant Classification Process June 2021. Collection method: clinical testing. Allele origin: germline. Affected: yes.
Comment: In silico analysis supports that this missense variant has a deleterious effect on protein structure/function; Has not been previously published as pathogenic or benign to our knowledge

NM_001271838.2(RSRC1):c.344G>A (p.Arg115His)

Gene: RSRC1 (arginine and serine rich coiled-coil 1; plus strand). Cytogenetic location: 3q25.32.
Variant type: single nucleotide variant.
Coding change: c.344G>A on transcript NM_001271838.2 (MANE Select); coding-DNA position 344, G replaced by A.
Protein change: p.Arg115His; replaces arginine 115 with histidine.
Molecular consequence: missense variant. On other transcripts: intron variant (1).
Genome position (GRCh38, 1-based): chr3:158,203,095, G>A. VCF-style: chr3-158203095-G-A. GRCh37 (hg19) VCF-style: chr3-157920884-G-A.
Other names: c.344G>A, p.Arg115His (NM_016625.4); c.320+79104G>A (NM_001271834.2); short protein forms R115H.
Identifiers: ClinVar variation 2578110 (VCV002578110.1), dbSNP rs759068571, ClinGen allele CA2681580.